The following is an entry in ClinVar:

NM_130468.4(CHST14):c.655C>T (p.Leu219Phe)

Gene: CHST14 (carbohydrate sulfotransferase 14; plus strand). Cytogenetic location: 15q15.1.
Variant type: single nucleotide variant.
Coding change: c.655C>T on transcript NM_130468.4 (MANE Select); coding-DNA position 655, C replaced by T.
Protein change: p.Leu219Phe; replaces leucine 219 with phenylalanine.
Molecular consequence: missense variant.
Genome position (GRCh38, 1-based): chr15:40,471,868, C>T. VCF-style: chr15-40471868-C-T. GRCh37 (hg19) VCF-style: chr15-40764067-C-T.
Other names: short protein forms L219F.
Identifiers: ClinVar variation 2451981 (VCV002451981.2), dbSNP rs1377548743, ClinGen allele CA391766563.

ClinVar aggregate classification (germline): Uncertain significance (1 of 4 stars; one submission).

Conditions:
Cardiovascular phenotype. Identifiers: MedGen CN230736.

Allele frequency attached by ClinVar (database versions not stated): gnomAD exomes below 0.00001; TOPMed below 0.00001; gnomAD 0.00001.

Submission:

Ambry Genetics
Classification: Uncertain significance for Cardiovascular phenotype. Last evaluated: 2022-12-25. Review status: criteria provided, single submitter. Criteria: Ambry Variant Classification Scheme 2023. Collection method: clinical testing. Allele origin: germline.
Comment: The p.L219F variant (also known as c.655C>T), located in coding exon 1 of the CHST14 gene, results from a C to T substitution at nucleotide position 655. The leucine at codon 219 is replaced by phenylalanine, an amino acid with highly similar properties. This amino acid position is conserved. In addition, this alteration is predicted to be deleterious by in silico analysis. Since supporting evidence is limited at this time, the clinical significance of this alteration remains unclear.